The following is an entry in ClinVar:

ClinVar aggregate classification (germline): Uncertain significance (1 of 4 stars; one submission).

Conditions:
Cardiovascular phenotype. Identifiers: MedGen CN230736.

Submission:

Ambry Genetics
Classification: Uncertain significance for Cardiovascular phenotype. Last evaluated: 2022-04-03. Review status: criteria provided, single submitter. Criteria: Ambry Variant Classification Scheme 2023. Collection method: clinical testing. Allele origin: germline.
Comment: The p.H432Q variant (also known as c.1296C>A), located in coding exon 7 of the GAA gene, results from a C to A substitution at nucleotide position 1296. The histidine at codon 432 is replaced by glutamine, an amino acid with highly similar properties. This amino acid position is conserved. In addition, this alteration is predicted to be deleterious by in silico analysis. Since supporting evidence is limited at this time, the clinical significance of this alteration remains unclear.

NM_000152.5(GAA):c.1296C>A (p.His432Gln)

Gene: GAA (alpha glucosidase; plus strand). Cytogenetic location: 17q25.3.
Variant type: single nucleotide variant.
Coding change: c.1296C>A on transcript NM_000152.5 (MANE Select); coding-DNA position 1296, C replaced by A.
Protein change: p.His432Gln; replaces histidine 432 with glutamine.
Molecular consequence: missense variant.
Genome position (GRCh38, 1-based): chr17:80,108,798, C>A. VCF-style: chr17-80108798-C-A. GRCh37 (hg19) VCF-style: chr17-78082597-C-A.
Other names: c.1296C>A, p.His432Gln (NM_001079803.3, NM_001079804.3, NM_001406741.1 and 1 more transcripts); short protein forms H432Q.
Identifiers: ClinVar variation 1769211 (VCV001769211.2), dbSNP rs2143858058, ClinGen allele CA401365376.